The following is an entry in ClinVar:

NM_004006.3(DMD):c.2276T>A (p.Leu759Ter)

Gene: DMD (dystrophin; minus strand). Cytogenetic location: Xp21.1.
Variant type: single nucleotide variant.
Coding change: c.2276T>A on transcript NM_004006.3 (MANE Select); coding-DNA position 2276, T replaced by A.
Protein change: p.Leu759Ter; replaces leucine 759 with a stop codon.
Molecular consequence: nonsense.
Genome position (GRCh38, 1-based): chrX:32,518,024, A>T on the plus strand (T>A on the coding strand, the complement: DMD is on the minus strand). VCF-style: chrX-32518024-A-T. GRCh37 (hg19) VCF-style: chrX-32536141-A-T.
Other names: c.2252T>A, p.Leu751Ter (NM_000109.4); c.2264T>A, p.Leu755Ter (NM_004009.3); c.1907T>A, p.Leu636Ter (NM_004010.3); short protein forms L759*, L636*, L751*, L755*.
Identifiers: ClinVar variation 409897 (VCV000409897.11), dbSNP rs1060502627, ClinGen allele CA16616687.
Genomic context (GRCh38, chrX:32,518,024, plus strand): 5'-CAGCACAAAATGAGTACAGATATAAAAATTAATGCATAACCTACATTGACTTTTTCTTTT[A>T]AGTCTGAGAAGTTGCCTTCCTTCCGAAAGATTGCAAATTCAGGACTCTGCAACACAGCTT-3'

ClinVar aggregate classification (germline): Pathogenic. Review status: criteria provided, multiple submitters, no conflicts (2 of 4 stars). 3 submissions from 3 submitters: Pathogenic (3). Last evaluated 2024-05-08.

Conditions:
DMD-related disorder. Also called: DMD-related condition.
Progressive muscular dystrophy. Identifiers: Orphanet 206644, MedGen C4551827, MONDO:0016106.
Duchenne muscular dystrophy (DMD). Also called: Duchenne Muscular Dystrophy (DMD); MUSCULAR DYSTROPHY, PSEUDOHYPERTROPHIC PROGRESSIVE, DUCHENNE TYPE. Identifiers: Orphanet 98896, MedGen C0013264, MONDO:0010679, OMIM 310200.

Submissions (3):

Myriad Genetics, Inc.
Classification: Pathogenic for Progressive muscular dystrophy. Last evaluated: 2024-05-08. Review status: criteria provided, single submitter. Criteria: Myriad Autosomal Dominant, Autosomal Recessive and X-Linked Classification Criteria (2023). Collection method: clinical testing. Allele origin: unknown.
Comment: NM_004006.2(DMD):c.2276T>A(L759*) is expected to be pathogenic in the context of dystrophinopathy (including Duchenne/Becker muscular dystrophy). This variant is predicted to lead to an abnormal or absent protein product due to the creation of a premature termination codon in DMD, a gene where loss-of-function variants are known to be pathogenic. Please note: this variant was assessed in the context of healthy population screening.

Blueprint Genetics
Classification: Pathogenic for DMD-related disorders. Last evaluated: 2023-10-19. Review status: criteria provided, single submitter. Criteria: ACMG Guidelines, 2015. Collection method: clinical testing. Allele origin: germline. Affected: yes. Observed: 1 variant allele.

Labcorp Genetics (formerly Invitae), Labcorp
Classification: Pathogenic for Duchenne muscular dystrophy. Last evaluated: 2021-05-01. Review status: criteria provided, single submitter. Criteria: Invitae Variant Classification Sherloc (09022015). Collection method: clinical testing. Allele origin: germline.
Comment: For these reasons, this variant has been classified as Pathogenic. Truncating variants in DMD are known to be pathogenic (PMID: 16770791). A different nucleotide change with the same effect on the DMD protein (c.2276T>G, p.Leu759X) has been reported in an individual affected with Duchenne muscular dystrophy (DMD) (PMID: 11257468). This sequence change creates a premature translational stop signal at codon 759 (p.Leu759*) of the DMD gene. It is expected to result in an absent or disrupted protein product.

Literature cited by the submitters: PubMed 16770791 (cited by Labcorp Genetics (formerly Invitae), Labcorp); PubMed 11257468 (cited by Labcorp Genetics (formerly Invitae), Labcorp).